The following is an entry in ClinVar:

NM_017514.5(PLXNA3):c.3275G>C (p.Arg1092Pro)

Gene: PLXNA3 (plexin A3; plus strand). Cytogenetic location: Xq28.
Variant type: single nucleotide variant.
Coding change: c.3275G>C on transcript NM_017514.5 (MANE Select); coding-DNA position 3275, G replaced by C.
Protein change: p.Arg1092Pro; replaces arginine 1092 with proline.
Molecular consequence: missense variant.
Genome position (GRCh38, 1-based): chrX:154,467,305, G>C. VCF-style: chrX-154467305-G-C. GRCh37 (hg19) VCF-style: chrX-153695648-G-C.
Other names: short protein forms R1092P.
Identifiers: ClinVar variation 3357891 (VCV003357891.1).

ClinVar aggregate classification (germline): Uncertain significance (0 of 4 stars; one submission).

Conditions:
PLXNA3-related disorder. Also called: PLXNA3-related condition.

gnomAD v4.1: 4 of 1,208,134 alleles (0.00033%); highest among the groups gnomAD compares: Admixed American, 0.0087%; no homozygotes.

Submission:

PreventionGenetics, part of Exact Sciences
Classification: Uncertain significance for PLXNA3-related condition. Last evaluated: 2024-06-21. Review status: no assertion criteria provided. Collection method: clinical testing. Allele origin: germline.
Comment: The PLXNA3 c.3275G>C variant is predicted to result in the amino acid substitution p.Arg1092Pro. To our knowledge, this variant has not been reported in the literature. This variant is reported in 0.015% of alleles in individuals of Latino descent in gnomAD. At this time, the clinical significance of this variant is uncertain due to the absence of conclusive functional and genetic evidence.